The following is an entry in ClinVar:

NM_000059.4(BRCA2):c.9643C>T (p.Leu3215Phe)

Gene: BRCA2 (BRCA2 DNA repair associated; plus strand). Cytogenetic location: 13q13.1.
Variant type: single nucleotide variant.
Coding change: c.9643C>T on transcript NM_000059.4 (MANE Select); coding-DNA position 9643, C replaced by T.
Protein change: p.Leu3215Phe; replaces leucine 3215 with phenylalanine.
Molecular consequence: missense variant.
Genome position (GRCh38, 1-based): chr13:32,397,039, C>T. VCF-style: chr13-32397039-C-T. GRCh37 (hg19) VCF-style: chr13-32971176-C-T.
Other names: short protein forms L3215F.
Identifiers: ClinVar variation 481553 (VCV000481553.6), dbSNP rs1555289812, ClinGen allele CA387763824.

ClinVar aggregate classification (germline): Conflicting classifications of pathogenicity. Review status: criteria provided, conflicting classifications (1 of 4 stars). 2 submissions from 2 submitters: Uncertain significance (1); Likely benign (1). Last evaluated 2026-03-30.

Conditions:
Hereditary cancer-predisposing syndrome. Also called: Tumor predisposition; Hereditary Cancer Syndrome; Hereditary neoplastic syndrome; Neoplastic Syndromes, Hereditary. Identifiers: Orphanet 140162, MedGen C0027672, MeSH D009386, MONDO:0015356.

Submissions (2):

Women's Health and Genetics/Laboratory Corporation of America, LabCorp
Classification: Uncertain significance. Last evaluated: 2026-03-30. Review status: criteria provided, single submitter. Criteria: LabCorp Variant Classification Summary - May 2015. Collection method: clinical testing. Allele origin: germline.
Comment: Variant summary: BRCA2 c.9643C>T (p.Leu3215Phe) results in a non-conservative amino acid change in the encoded protein sequence. Algorithms developed to predict the effect of missense changes on protein structure and function are either unavailable or do not agree on the potential impact of this missense change. The variant was absent in 251334 control chromosomes. The available data on variant occurrences in the general population are insufficient to allow any conclusion about variant significance. To our knowledge, no occurrence of c.9643C>T in individuals affected with BRCA2-related conditions and no experimental evidence demonstrating its impact on protein function have been reported. ClinVar contains an entry for this variant (Variation ID: 481553). Based on the evidence outlined above, the variant was classified as uncertain significance.

Ambry Genetics
Classification: Likely benign for Hereditary cancer-predisposing syndrome. Last evaluated: 2016-06-17. Review status: criteria provided, single submitter. Criteria: Ambry Variant Classification Scheme 2023. Collection method: clinical testing. Allele origin: germline.